The following is an entry in ClinVar:

ClinVar aggregate classification (germline): Pathogenic (1 of 4 stars; one submission).

Conditions:
Ataxia-telangiectasia syndrome (AT). Also called: ATAXIA-TELANGIECTASIA, COMPLEMENTATION GROUP A; ATAXIA-TELANGIECTASIA, FRESNO VARIANT; Ataxia-telangiectasia; LOUIS-BAR SYNDROME; Cerebello-oculocutaneous telangiectasia; Immunodeficiency with ataxia telangiectasia. Identifiers: Orphanet 100, MedGen C0004135, MONDO:0008840, OMIM 208900.

Submission:

Labcorp Genetics (formerly Invitae), Labcorp
Classification: Pathogenic for Ataxia-telangiectasia syndrome. Last evaluated: 2025-07-02. Review status: criteria provided, single submitter. Criteria: Invitae Variant Classification Sherloc (09022015). Collection method: clinical testing. Allele origin: germline.
Comment: This sequence change creates a premature translational stop signal (p.Arg110Lysfs*4) in the ATM gene. It is expected to result in an absent or disrupted protein product. Loss-of-function variants in ATM are known to be pathogenic (PMID: 23807571, 25614872). This variant is not present in population databases (gnomAD no frequency). This variant has not been reported in the literature in individuals affected with ATM-related conditions. For these reasons, this variant has been classified as Pathogenic.

Literature cited by the submitters: PubMed 23807571; PubMed 25614872.

NM_000051.4(ATM):c.329_330del (p.Arg110fs)

Gene: ATM (ATM serine/threonine kinase; plus strand). Cytogenetic location: 11q22.3.
Variant type: Deletion.
Coding change: c.329_330del on transcript NM_000051.4 (MANE Select); coding-DNA positions 329 to 330, 2 bases deleted (GA; older notation c.329_330delGA).
Protein change: p.Arg110fs; shifts the reading frame from arginine 110.
Molecular consequence: frameshift variant.
Genome position (GRCh38, 1-based): chr11:108,229,321-108,229,322, GA deleted; deleting any 2 consecutive bases within chr11:108,229,320-108,229,322 gives the same sequence; the c. name uses the placement nearest the transcript's 3' end. VCF-style (leftmost placement, unchanged base first): chr11-108229319-CAG-C. GRCh37 (hg19) VCF-style: chr11-108100046-CAG-C.
Other names: c.329_330del, p.Arg110fs (NM_001351834.2, NM_001351835.2, NM_001351836.2); short protein forms R110fs.
Identifiers: ClinVar variation 4722475 (VCV004722475.1).